The following is an entry in ClinVar:

ClinVar aggregate classification (germline): Uncertain significance. Review status: criteria provided, multiple submitters, no conflicts (2 of 4 stars). 2 submissions from 2 submitters: Uncertain significance (2). Last evaluated 2024-11-18.

Conditions:
DCTN1-related disorder. Also called: DCTN1-related condition.
Amyotrophic lateral sclerosis type 1 (ALS1). Also called: AMYOTROPHIC LATERAL SCLEROSIS 1, FAMILIAL. Identifiers: Orphanet 803, MedGen C1862939, MONDO:0007103, OMIM 105400.
Perry syndrome. Also called: PARKINSONISM WITH ALVEOLAR HYPOVENTILATION AND MENTAL DEPRESSION. Identifiers: Orphanet 178509, MedGen C1868594, MONDO:0008201, OMIM 168605.
Neuronopathy, distal hereditary motor, type 7B. Also called: NEURONOPATHY, DISTAL HEREDITARY MOTOR, AUTOSOMAL DOMINANT 14; NEURONOPATHY, DISTAL HEREDITARY MOTOR, HARDING TYPE VIIB; NEUROPATHY, DISTAL HEREDITARY MOTOR, HARDING TYPE VIIB; NEUROPATHY, DISTAL HEREDITARY MOTOR, WITH VOCAL CORD PARALYSIS, HARDING TYPE VIIB; Distal Hereditary Motor Neuronopathy Type 7B (dHMN7B); HMN VIIB. Identifiers: Orphanet 139589, MedGen C1843315, MONDO:0011879, OMIM 607641.

gnomAD v4.1: 12 of 1,613,384 alleles (0.00074%); highest among the groups gnomAD compares: Admixed American, 0.02%; no homozygotes.

Submissions (2):

PreventionGenetics, part of Exact Sciences
Classification: Uncertain significance for DCTN1-related condition. Last evaluated: 2024-11-18. Review status: criteria provided, single submitter. Criteria: ACMG Guidelines, 2015. Collection method: clinical testing. Allele origin: germline.
Comment: The DCTN1 c.362G>A variant is predicted to result in the amino acid substitution p.Gly121Glu. To our knowledge, this variant has not been reported in the literature or in a large population database (gnomAD), indicating this variant is rare. At this time, the clinical significance of this variant is uncertain due to the absence of conclusive functional and genetic evidence.

Labcorp Genetics (formerly Invitae), Labcorp
Classification: Uncertain significance for Amyotrophic lateral sclerosis type 1; Neuronopathy, distal hereditary motor, type 7B; Perry syndrome. Last evaluated: 2024-07-02. Review status: criteria provided, single submitter. Criteria: Invitae Variant Classification Sherloc (09022015). Collection method: clinical testing. Allele origin: germline.
Comment: This sequence change replaces glycine, which is neutral and non-polar, with glutamic acid, which is acidic and polar, at codon 121 of the DCTN1 protein (p.Gly121Glu). This variant is present in population databases (rs768296656, gnomAD 0.04%). This variant has not been reported in the literature in individuals affected with DCTN1-related conditions. Advanced modeling of protein sequence and biophysical properties (such as structural, functional, and spatial information, amino acid conservation, physicochemical variation, residue mobility, and thermodynamic stability) performed at Invitae indicates that this missense variant is not expected to disrupt DCTN1 protein function with a negative predictive value of 80%. In summary, the available evidence is currently insufficient to determine the role of this variant in disease. Therefore, it has been classified as a Variant of Uncertain Significance.

NM_004082.5(DCTN1):c.362G>A (p.Gly121Glu)

Gene: DCTN1 (dynactin subunit 1; minus strand). Cytogenetic location: 2p13.1.
Variant type: single nucleotide variant.
Coding change: c.362G>A on transcript NM_004082.5 (MANE Select); coding-DNA position 362, G replaced by A.
Protein change: p.Gly121Glu; replaces glycine 121 with glutamic acid.
Molecular consequence: missense variant. On other transcripts: non-coding transcript variant (1).
Genome position (GRCh38, 1-based): chr2:74,377,463, C>T on the plus strand (G>A on the coding strand, the complement: DCTN1 is on the minus strand). VCF-style: chr2-74377463-C-T. GRCh37 (hg19) VCF-style: chr2-74604590-C-T.
Other names: c.362G>A, p.Gly121Glu (NM_001135040.3, NM_001190837.2); c.311G>A, p.Gly104Glu (NM_001190836.2, NM_001378991.1, NM_001378992.1); short protein forms G104E, G121E.
Identifiers: ClinVar variation 3763755 (VCV003763755.3).